The following is an entry in ClinVar:

NM_000051.4(ATM):c.3972T>A (p.Ser1324Arg)

Gene: ATM (ATM serine/threonine kinase; plus strand). Cytogenetic location: 11q22.3.
Variant type: single nucleotide variant.
Coding change: c.3972T>A on transcript NM_000051.4 (MANE Select); coding-DNA position 3972, T replaced by A.
Protein change: p.Ser1324Arg; replaces serine 1324 with arginine.
Molecular consequence: missense variant.
Genome position (GRCh38, 1-based): chr11:108,284,452, T>A. VCF-style: chr11-108284452-T-A. GRCh37 (hg19) VCF-style: chr11-108155179-T-A.
Other names: c.3972T>A, p.Ser1324Arg (NM_001351834.2); short protein forms S1324R.
Identifiers: ClinVar variation 824450 (VCV000824450.5), dbSNP rs1165340615, ClinGen allele CA382526157.
Genomic context (GRCh38, chr11:108,284,452, plus strand): 5'-AGACAGTGGGATGGCACAGCAAAGAGAGACTGCTACCAAGGTCTATGATATGCTTAAAAG[T>A]GAAAACTTATTGGGAAAACAGGTATGGCTTCAATTTTTATGTACTTTTCATTCCCTGAAT-3'
Protein context (NP_000042.3, residues 1314-1334): TATKVYDMLK[Ser1324Arg]ENLLGKQIDH

ClinVar aggregate classification (germline): Uncertain significance. Review status: criteria provided, multiple submitters, no conflicts (2 of 4 stars). 2 submissions from 2 submitters: Uncertain significance (2). Last evaluated 2024-11-05.

Conditions:
Hereditary cancer-predisposing syndrome. Also called: Neoplastic Syndromes, Hereditary; Hereditary Cancer Syndrome; Hereditary neoplastic syndrome; Tumor predisposition. Identifiers: Orphanet 140162, MedGen C0027672, MeSH D009386, MONDO:0015356.
Ataxia-telangiectasia syndrome (AT). Also called: ATAXIA-TELANGIECTASIA, COMPLEMENTATION GROUP A; ATAXIA-TELANGIECTASIA, FRESNO VARIANT; Ataxia-telangiectasia, complementation group E; Ataxia telangiectasia (A-T); LOUIS-BAR SYNDROME; Cerebello-oculocutaneous telangiectasia. Identifiers: Orphanet 100, MedGen C0004135, MONDO:0008840, OMIM 208900.

Submissions (2):

Labcorp Genetics (formerly Invitae), Labcorp
Classification: Uncertain significance for Ataxia-telangiectasia syndrome. Last evaluated: 2024-11-05. Review status: criteria provided, single submitter. Criteria: Invitae Variant Classification Sherloc (09022015). Collection method: clinical testing. Allele origin: germline.
Comment: This sequence change replaces serine, which is neutral and polar, with arginine, which is basic and polar, at codon 1324 of the ATM protein (p.Ser1324Arg). This variant is not present in population databases (gnomAD no frequency). This variant has not been reported in the literature in individuals affected with ATM-related conditions. ClinVar contains an entry for this variant (Variation ID: 824450). Invitae Evidence Modeling of protein sequence and biophysical properties (such as structural, functional, and spatial information, amino acid conservation, physicochemical variation, residue mobility, and thermodynamic stability) indicates that this missense variant is not expected to disrupt ATM protein function with a negative predictive value of 95%. In summary, the available evidence is currently insufficient to determine the role of this variant in disease. Therefore, it has been classified as a Variant of Uncertain Significance.

Ambry Genetics
Classification: Uncertain significance for Hereditary cancer-predisposing syndrome. Last evaluated: 2019-06-25. Review status: criteria provided, single submitter. Criteria: Ambry Variant Classification Scheme 2023. Collection method: clinical testing. Allele origin: germline.
Comment: The p.S1324R variant (also known as c.3972T>A), located in coding exon 25 of the ATM gene, results from a T to A substitution at nucleotide position 3972. The serine at codon 1324 is replaced by arginine, an amino acid with dissimilar properties. This amino acid position is poorly conserved in available vertebrate species. In addition, this alteration is predicted to be tolerated by in silico analysis. Since supporting evidence is limited at this time, the clinical significance of this alteration remains unclear.